The following is an entry in ClinVar:

ClinVar aggregate classification (germline): Uncertain significance (1 of 4 stars; one submission).

Conditions:
Lymphoproliferative syndrome 2 (LPFS2). Also called: Combined immunodeficiency due to CD27 deficiency; CD27 DEFICIENCY. Identifiers: Orphanet 238505, MedGen C3554540, MONDO:0014054, OMIM 615122.

Submission:

Labcorp Genetics (formerly Invitae), Labcorp
Classification: Uncertain significance for Lymphoproliferative syndrome 2. Last evaluated: 2024-06-09. Review status: criteria provided, single submitter. Criteria: Invitae Variant Classification Sherloc (09022015). Collection method: clinical testing. Allele origin: germline.
Comment: This sequence change replaces arginine, which is basic and polar, with cysteine, which is neutral and slightly polar, at codon 94 of the CD27 protein (p.Arg94Cys). This variant is present in population databases (rs570614972, gnomAD 0.007%). This missense change has been observed in individual(s) with CD27-related conditions (PMID: 32603431). Advanced modeling of protein sequence and biophysical properties (such as structural, functional, and spatial information, amino acid conservation, physicochemical variation, residue mobility, and thermodynamic stability) performed at Invitae indicates that this missense variant is expected to disrupt CD27 protein function with a positive predictive value of 80%. In summary, the available evidence is currently insufficient to determine the role of this variant in disease. Therefore, it has been classified as a Variant of Uncertain Significance.

Literature cited by the submitters: PubMed 32603431.

NM_001242.5(CD27):c.280C>T (p.Arg94Cys)

Genes: CD27-AS1 (CD27 antisense RNA 1; minus strand), CD27 (CD27 molecule; plus strand). Cytogenetic location: 12p13.31.
Variant type: single nucleotide variant.
Coding change: c.280C>T on transcript NM_001242.5 (MANE Select); coding-DNA position 280, C replaced by T.
Protein change: p.Arg94Cys; replaces arginine 94 with cysteine.
Molecular consequence: missense variant. On other transcripts: 5 prime UTR variant (3), non-coding transcript variant (4), intron variant (1).
Genome position (GRCh38, 1-based): chr12:6,450,184, C>T. VCF-style: chr12-6450184-C-T. GRCh37 (hg19) VCF-style: chr12-6559350-C-T.
Other names: c.373C>T, p.Arg125Cys (NM_001413263.1); c.253C>T, p.Arg85Cys (NM_001413264.1); c.-171C>T (NM_001413266.1, NM_001413267.1, NM_001413268.1); c.269-357C>T (NM_001413265.1); short protein forms R85C, R94C, R125C.
Identifiers: ClinVar variation 3695917 (VCV003695917.1).